The following is an entry in ClinVar:

ClinVar aggregate classification (germline): Benign/Likely benign. Review status: criteria provided, multiple submitters, no conflicts (2 of 4 stars). 3 submissions from 3 submitters: Benign (1); Likely benign (1). 1 of the submissions does not count toward it. Last evaluated 2025-11-19.

Conditions:
Intellectual disability. Also called: Intellectual developmental disorder; intellectual disabilities; Intellectual functioning disability. Identifiers: MedGen C3714756, MeSH D008607, MONDO:0001071, HP:0001249.

Allele frequency attached by ClinVar (database versions not stated): gnomAD exomes 0.00003 and 0.00004; ExAC 0.00004; gnomAD 0.00005; TOPMed 0.00005; ESP Exome Variant Server 0.00008.
gnomAD v4.1: 63 of 1,610,414 alleles (0.0039%); highest among the groups gnomAD compares: Middle Eastern, 0.05%; no homozygotes.

Submissions (3):

Labcorp Genetics (formerly Invitae), Labcorp
Classification: Benign. Last evaluated: 2025-11-19. Review status: criteria provided, single submitter. Criteria: Invitae Variant Classification Sherloc (09022015). Collection method: clinical testing. Allele origin: germline.

CeGaT Center for Human Genetics Tuebingen
Classification: Likely benign. Last evaluated: 2024-01-01. Review status: criteria provided, single submitter. Criteria: CeGaT Center For Human Genetics Tuebingen Variant Classification Criteria Version 2. Collection method: clinical testing. Allele origin: germline. Affected: yes. Observed: 1 variant allele.
Comment: PACS2: BP4

Centre de Biologie Pathologie Génétique, Centre Hospitalier Universitaire de Lille
Classification: Likely benign for Intellectual disability. Last evaluated: 2019-01-01. Review status: no assertion criteria provided. Collection method: clinical testing. Allele origin: inherited. Affected: yes. Not counted in ClinVar's aggregate classification.

NM_001100913.3(PACS2):c.2144C>T (p.Ser715Leu)

Gene: PACS2 (phosphofurin acidic cluster sorting protein 2; plus strand). Cytogenetic location: 14q32.33.
Variant type: single nucleotide variant.
Coding change: c.2144C>T on transcript NM_001100913.3 (MANE Select); coding-DNA position 2144, C replaced by T.
Protein change: p.Ser715Leu; replaces serine 715 with leucine.
Molecular consequence: missense variant.
Genome position (GRCh38, 1-based): chr14:105,391,655, C>T. VCF-style: chr14-105391655-C-T. GRCh37 (hg19) VCF-style: chr14-105857992-C-T.
Other names: c.1874C>T, p.Ser625Leu (NM_001243127.3); c.2099C>T, p.Ser700Leu (NM_015197.4); short protein forms S625L, S700L, S715L.
Identifiers: ClinVar variation 975463 (VCV000975463.31), dbSNP rs374373404, ClinGen allele CA7389172.